The following is an entry in ClinVar:

NM_000548.5:c.1745_3254del

Gene: TSC2 (TSC complex subunit 2; plus strand).
Variant type: Deletion.
Other names: c.1745_3254del (NM_000548.5).
Identifiers: ClinVar variation 3777212 (VCV003777212.1).

ClinVar aggregate classification (germline): Pathogenic (1 of 4 stars; one submission).

Conditions:
Tuberous sclerosis 2 (TSC2). Identifiers: Orphanet 805, MedGen C1860707, MONDO:0013199, OMIM 613254.

Submission:

Oasi Research Institute-IRCCS
Classification: Pathogenic for Tuberous sclerosis 2. Review status: criteria provided, single submitter. Criteria: ACMG Guidelines, 2015. Collection method: research. Allele origin: de novo. Affected: yes.
Comment: The genomic variant represents a tandem large deletion within the coding sequence of the gene. This deletion may lead to a frameshift mutation. It is expected to result in an protein truncation or nonsense mediated decay ACMG criteria: PVS1 (LOF), PP4 (phenotype match), PM2 (absent from control), PP3 (in silico evidence), PS2 (de novo)= Pathogenic. Based on the evidence outlined above, the variant was classified as Pathogenic.